The following is an entry in ClinVar:

NM_004525.3(LRP2):c.*1118T>G

Gene: LRP2 (LDL receptor related protein 2; minus strand). Cytogenetic location: 2q31.1.
Variant type: single nucleotide variant.
Coding change: c.*1118T>G on transcript NM_004525.3 (MANE Select); 1118 bases downstream of the stop codon, T replaced by G.
Molecular consequence: 3 prime UTR variant.
Genome position (GRCh38, 1-based): chr2:169,127,545, A>C on the plus strand (T>G on the coding strand, the complement: LRP2 is on the minus strand). VCF-style: chr2-169127545-A-C. GRCh37 (hg19) VCF-style: chr2-169984055-A-C.
Identifiers: ClinVar variation 332049 (VCV000332049.6), dbSNP rs575232276, ClinGen allele CA10612600.

ClinVar aggregate classification (germline): Likely benign. Review status: criteria provided, multiple submitters, no conflicts (2 of 4 stars). 2 submissions from 2 submitters: Likely benign (2). Last evaluated 2018-01-13.

Conditions:
Donnai-Barrow syndrome. Also called: DBS/FOAR SYNDROME; FACIOOCULOACOUSTICORENAL SYNDROME. Identifiers: Orphanet 2143, MedGen C1857277, MONDO:0009104, OMIM 222448.

Allele frequency attached by ClinVar (database versions not stated): TOPMed 0.00041; 1000 Genomes Project 0.00200; 1000 Genomes Project 30x 0.00203; gnomAD 0.00028 and 0.00040.

Submissions (2):

Illumina Laboratory Services, Illumina
Classification: Likely benign for Donnai-Barrow syndrome. Last evaluated: 2018-01-13. Review status: criteria provided, single submitter. Criteria: ICSL Variant Classification Criteria 13 December 2019. Collection method: clinical testing. Allele origin: germline.
Comment: This variant was observed in the ICSL laboratory as part of a predisposition screen in an ostensibly healthy population. It had not been previously curated by ICSL or reported in the Human Gene Mutation Database (HGMD: prior to June 1st, 2018), and was therefore a candidate for classification through an automated scoring system. Utilizing variant allele frequency, disease prevalence and penetrance estimates, and inheritance mode, an automated score was calculated to assess if this variant is too frequent to cause the disease. Based on the score and internal cut-off values, a variant classified as likely benign is not then subjected to further curation. The score for this variant resulted in a classification of likely benign for this disease.

Breakthrough Genomics
Classification: Likely benign. Review status: criteria provided, single submitter. Criteria: ACMG Guidelines, 2015. Collection method: not provided. Allele origin: germline. Inheritance: Autosomal recessive inheritance. Affected: yes.